The following is an entry in ClinVar:

NM_024642.5(GALNT12):c.1344+4A>C

Gene: GALNT12 (polypeptide N-acetylgalactosaminyltransferase 12; plus strand). Cytogenetic location: 9q22.33.
Variant type: single nucleotide variant.
Coding change: c.1344+4A>C on transcript NM_024642.5 (MANE Select); 4 bases into the intron after coding-DNA position 1344, A replaced by C.
Molecular consequence: intron variant.
Genome position (GRCh38, 1-based): chr9:98,840,137, A>C. VCF-style: chr9-98840137-A-C. GRCh37 (hg19) VCF-style: chr9-101602419-A-C.
Identifiers: ClinVar variation 1411027 (VCV001411027.7), dbSNP rs763627322, ClinGen allele CA5154237.

ClinVar aggregate classification (germline): Uncertain significance. Review status: criteria provided, multiple submitters, no conflicts (2 of 4 stars). 2 submissions from 2 submitters: Uncertain significance (2). Last evaluated 2025-04-28.

Allele frequency attached by ClinVar (database versions not stated): TOPMed below 0.00001; gnomAD 0.00001; ExAC 0.00003; gnomAD exomes 0.00003 and 0.00005.

Submissions (2):

Labcorp Genetics (formerly Invitae), Labcorp
Classification: Uncertain significance. Last evaluated: 2025-04-28. Review status: criteria provided, single submitter. Criteria: Invitae Variant Classification Sherloc (09022015). Collection method: clinical testing. Allele origin: germline.
Comment: This sequence change falls in intron 7 of the GALNT12 gene. It does not directly change the encoded amino acid sequence of the GALNT12 protein. It affects a nucleotide within the consensus splice site. This variant is present in population databases (rs763627322, gnomAD 0.04%), and has an allele count higher than expected for a pathogenic variant. This variant has not been reported in the literature in individuals affected with GALNT12-related conditions. ClinVar contains an entry for this variant (Variation ID: 1411027). Variants that disrupt the consensus splice site are a relatively common cause of aberrant splicing (PMID: 17576681, 9536098). Algorithms developed to predict the effect of sequence changes on RNA splicing suggest that this variant is not likely to affect RNA splicing. In summary, the available evidence is currently insufficient to determine the role of this variant in disease. Therefore, it has been classified as a Variant of Uncertain Significance.

Ambry Genetics
Classification: Uncertain significance. Last evaluated: 2023-04-20. Review status: criteria provided, single submitter. Criteria: Ambry Variant Classification Scheme 2023. Collection method: clinical testing. Allele origin: germline.
Comment: The c.1344+4A>C intronic variant results from an A to C substitution 4 nucleotides after coding exon 7 in the GALNT12 gene. This nucleotide position is well conserved in available vertebrate species. In silico splice site analysis predicts that this alteration will not have any significant effect on splicing. The evidence for this gene-disease relationship is limited; therefore, the clinical significance of this alteration is unclear.

Literature cited by the submitters: PubMed 17576681 (cited by Labcorp Genetics (formerly Invitae), Labcorp); PubMed 9536098 (cited by Labcorp Genetics (formerly Invitae), Labcorp).